The following is an entry in ClinVar:

ClinVar aggregate classification (germline): Likely benign (1 of 4 stars; one submission).

gnomAD v4.1: 4 of 1,612,906 alleles (0.00025%); highest among the groups gnomAD compares: East Asian, 0.0022%; no homozygotes.

Submission:

CeGaT Center for Human Genetics Tuebingen
Classification: Likely benign. Last evaluated: 2025-10-01. Review status: criteria provided, single submitter. Criteria: CeGaT Center For Human Genetics Tuebingen Variant Classification Criteria Version 2. Collection method: clinical testing. Allele origin: germline. Affected: yes. Observed: 1 variant allele.
Comment: PIGQ: BP4, BP7

NM_004204.5(PIGQ):c.*203C>A

Gene: PIGQ (phosphatidylinositol glycan anchor biosynthesis class Q; plus strand). Cytogenetic location: 16p13.3.
Variant type: single nucleotide variant.
Coding change: c.*203C>A on transcript NM_004204.5 (MANE Select); 203 bases downstream of the stop codon, C replaced by A.
Molecular consequence: 3 prime UTR variant. On other transcripts: synonymous variant (1).
Genome position (GRCh38, 1-based): chr16:583,238, C>A. VCF-style: chr16-583238-C-A. GRCh37 (hg19) VCF-style: chr16-633238-C-A.
Other names: c.1887C>A, p.Ala629= (NM_148920.4).
Identifiers: ClinVar variation 4534369 (VCV004534369.6).
Genomic context (GRCh38, chr16:583,238, plus strand): 5'-CACCTTGGGCTTGGAGGTCATTGGGAGTGAGCAGATGTGGGGGTGGCCAGCCAGGCTGGC[C>A]GCACTCCATCACTGGCACTGCCTGCCTTGGGACCCGCTTCCCACCTGCTGCGGTCACCAT-3'